The following is an entry in ClinVar:

NM_000179.3(MSH6):c.2933A>C (p.Gln978Pro)

Gene: MSH6 (mutS homolog 6; plus strand). Cytogenetic location: 2p16.3.
Variant type: single nucleotide variant.
Coding change: c.2933A>C on transcript NM_000179.3 (MANE Select); coding-DNA position 2933, A replaced by C.
Protein change: p.Gln978Pro; replaces glutamine 978 with proline.
Molecular consequence: missense variant.
Genome position (GRCh38, 1-based): chr2:47,800,916, A>C. VCF-style: chr2-47800916-A-C. GRCh37 (hg19) VCF-style: chr2-48028055-A-C.
Other names: c.2543A>C, p.Gln848Pro (NM_001281492.2); c.2027A>C, p.Gln676Pro (NM_001281493.2, NM_001281494.2); short protein forms Q978P, Q848P, Q676P.
Identifiers: ClinVar variation 483815 (VCV000483815.5), dbSNP rs1553414312, ClinGen allele CA346756204.

ClinVar aggregate classification (germline): Uncertain significance (1 of 4 stars; one submission).

Conditions:
Hereditary cancer-predisposing syndrome. Also called: Neoplastic Syndromes, Hereditary; Tumor predisposition; Hereditary Cancer Syndrome; Hereditary neoplastic syndrome. Identifiers: Orphanet 140162, MedGen C0027672, MeSH D009386, MONDO:0015356.

Submission:

Ambry Genetics
Classification: Uncertain significance for Hereditary cancer-predisposing syndrome. Last evaluated: 2024-01-16. Review status: criteria provided, single submitter. Criteria: Ambry Variant Classification Scheme 2023. Collection method: clinical testing. Allele origin: germline.
Comment: The p.Q978P variant (also known as c.2933A>C), located in coding exon 4 of the MSH6 gene, results from an A to C substitution at nucleotide position 2933. The glutamine at codon 978 is replaced by proline, an amino acid with similar properties. This amino acid position is highly conserved in available vertebrate species. In addition, this alteration is predicted to be deleterious by in silico analysis. Since supporting evidence is limited at this time, the clinical significance of this alteration remains unclear.